The following is an entry in ClinVar:

NM_019109.5(ALG1):c.863A>G (p.Glu288Gly)

Gene: ALG1 (ALG1 chitobiosyldiphosphodolichol beta-mannosyltransferase; plus strand). Cytogenetic location: 16p13.3.
Variant type: single nucleotide variant.
Coding change: c.863A>G on transcript NM_019109.5 (MANE Select); coding-DNA position 863, A replaced by G.
Protein change: p.Glu288Gly; replaces glutamic acid 288 with glycine.
Molecular consequence: missense variant.
Genome position (GRCh38, 1-based): chr16:5,079,064, A>G. VCF-style: chr16-5079064-A-G. GRCh37 (hg19) VCF-style: chr16-5129065-A-G.
Other names: c.530A>G, p.Glu177Gly (NM_001330504.2); short protein forms E177G, E288G.
Identifiers: ClinVar variation 1503992 (VCV001503992.5), dbSNP rs776908571, ClinGen allele CA7890068.

ClinVar aggregate classification (germline): Uncertain significance. Review status: criteria provided, multiple submitters, no conflicts (2 of 4 stars). 3 submissions from 3 submitters: Uncertain significance (3). Last evaluated 2024-05-03.

Conditions:
ALG1-congenital disorder of glycosylation. Also called: CONGENITAL DISORDER OF GLYCOSYLATION, TYPE Ik; CDG Ik; ALG1-CDG. Identifiers: Orphanet 79327, MedGen C2931005, MONDO:0012052, OMIM 608540.

Allele frequency attached by ClinVar (database versions not stated): gnomAD 0.00003; TOPMed 0.00004; gnomAD exomes 0.00005; ExAC 0.00008.
gnomAD v4.1: 65 of 1,600,604 alleles (0.0041%); highest among the groups gnomAD compares: Middle Eastern, 0.09%; no homozygotes.

Submissions (3):

Fulgent Genetics
Classification: Uncertain significance for ALG1-congenital disorder of glycosylation. Last evaluated: 2024-05-03. Review status: criteria provided, single submitter. Criteria: ACMG Guidelines, 2015. Collection method: clinical testing. Allele origin: germline.

Labcorp Genetics (formerly Invitae), Labcorp
Classification: Uncertain significance for ALG1-congenital disorder of glycosylation. Last evaluated: 2022-10-16. Review status: criteria provided, single submitter. Criteria: Invitae Variant Classification Sherloc (09022015). Collection method: clinical testing. Allele origin: germline.
Comment: This sequence change replaces glutamic acid, which is acidic and polar, with glycine, which is neutral and non-polar, at codon 288 of the ALG1 protein (p.Glu288Gly). This variant is present in population databases (rs776908571, gnomAD 0.01%). This variant has not been reported in the literature in individuals affected with ALG1-related conditions. ClinVar contains an entry for this variant (Variation ID: 1503992). Algorithms developed to predict the effect of missense changes on protein structure and function are either unavailable or do not agree on the potential impact of this missense change (SIFT: "Tolerated"; PolyPhen-2: "Possibly Damaging"; Align-GVGD: "Class C0"). Algorithms developed to predict the effect of sequence changes on RNA splicing suggest that this variant may disrupt the consensus splice site. In summary, the available evidence is currently insufficient to determine the role of this variant in disease. Therefore, it has been classified as a Variant of Uncertain Significance.

Department of Pathology and Laboratory Medicine, Sinai Health System
Classification: Uncertain significance for ALG1-congenital disorder of glycosylation. Last evaluated: 2022-02-18. Review status: criteria provided, single submitter. Criteria: ACMG Guidelines, 2015. Collection method: research. Allele origin: germline.